The following is an entry in ClinVar:

ClinVar aggregate classification (germline): Likely pathogenic (1 of 4 stars; one submission).

Submission:

GeneDx
Classification: Likely pathogenic. Last evaluated: 2026-01-25. Review status: criteria provided, single submitter. Criteria: GeneDx Variant Classification Process June 2021. Collection method: clinical testing. Allele origin: germline.
Comment: Not observed at significant frequency in large population cohorts (gnomAD); In silico analysis supports that this missense variant has a deleterious effect on protein structure/function; Has not been previously published as pathogenic or benign to our knowledge

NM_022167.4(XYLT2):c.2535C>G (p.Ser845Arg)

Gene: XYLT2 (xylosyltransferase 2; plus strand). Cytogenetic location: 17q21.33.
Variant type: single nucleotide variant.
Coding change: c.2535C>G on transcript NM_022167.4 (MANE Select); coding-DNA position 2535, C replaced by G.
Protein change: p.Ser845Arg; replaces serine 845 with arginine.
Molecular consequence: missense variant.
Genome position (GRCh38, 1-based): chr17:50,360,228, C>G. VCF-style: chr17-50360228-C-G. GRCh37 (hg19) VCF-style: chr17-48437589-C-G.
Other names: short protein forms S845R.
Identifiers: ClinVar variation 3776383 (VCV003776383.2).